The following is an entry in ClinVar:

ClinVar aggregate classification (germline): Pathogenic/Likely pathogenic. Review status: criteria provided, multiple submitters, no conflicts (2 of 4 stars). 2 submissions from 2 submitters: Pathogenic (1); Likely pathogenic (1). Last evaluated 2025-07-06.

Conditions:
Pseudohypoparathyroidism (PHP1A). Identifiers: Orphanet 79443, Orphanet 97593, MedGen C0033806, MONDO:0019992, HP:0000852.
Pseudohypoparathyroidism type 1C (PHP1C). Also called: PSEUDOHYPOPARATHYROIDISM, TYPE IC; PHP IC; Pseudohypoparathyroidism Ic (PHP-Ic). Identifiers: Orphanet 79444, MedGen C2932716, MONDO:0012911, OMIM 612462.

Submissions (2):

GeneDx
Classification: Pathogenic. Last evaluated: 2025-07-06. Review status: criteria provided, single submitter. Criteria: GeneDx Variant Classification Process June 2021. Collection method: clinical testing. Allele origin: germline. Affected: yes.
Comment: Nonsense variant predicted to result in protein truncation or nonsense mediated decay in a gene for which loss of function is a known mechanism of disease; Not observed at significant frequency in large population cohorts (gnomAD); This variant is associated with the following publications: (PMID: 25326637)

UCLA Clinical Genomics Center, UCLA
Classification: Likely pathogenic for Pseudohypoparathyroidism type 1A; Pseudohypoparathyroidism type 1C. Last evaluated: 2014-03-11. Review status: criteria provided, single submitter. Criteria: Lee et al. (JAMA. 2014). Collection method: clinical testing. Allele origin: unknown. Inheritance: Autosomal dominant inheritance. Affected: yes. Study: CES.

NM_000516.7(GNAS):c.880C>T (p.Gln294Ter)

Gene: GNAS (GNAS complex locus; plus strand). Cytogenetic location: 20q13.32.
Variant type: single nucleotide variant.
Coding change: c.880C>T on transcript NM_000516.7 (MANE Select); coding-DNA position 880, C replaced by T.
Protein change: p.Gln294Ter; replaces glutamine 294 with a stop codon.
Molecular consequence: nonsense. On other transcripts: 3 prime UTR variant (2).
Genome position (GRCh38, 1-based): chr20:58,909,991, C>T. VCF-style: chr20-58909991-C-T. GRCh37 (hg19) VCF-style: chr20-57485046-C-T.
Other names: c.883C>T, p.Gln295Ter (NM_001077488.5); c.835C>T, p.Gln279Ter (NM_001077489.4); c.*741C>T (NM_001077490.3); c.703C>T, p.Gln235Ter (NM_001309840.2, NM_001309861.2); c.*786C>T (NM_016592.5); c.2809C>T, p.Gln937Ter (NM_080425.4); c.838C>T, p.Gln280Ter (NM_080426.4); short protein forms Q294*, Q295*, Q937*, Q280*, Q235*, Q279*.
Identifiers: ClinVar variation 216937 (VCV000216937.3), dbSNP rs863224876, ClinGen allele CA278940.